The following is an entry in ClinVar:

ClinVar aggregate classification (germline): Uncertain significance. Review status: criteria provided, multiple submitters, no conflicts (2 of 4 stars). 2 submissions from 2 submitters: Uncertain significance (2). Last evaluated 2026-01-05.

Conditions:
Primary dilated cardiomyopathy (DCM). Also called: Dilated Cardiomyopathy. Identifiers: Orphanet 217604, MedGen C0007193, MeSH D002311, MONDO:0005021, HP:0001644. Inheritance: Various modes of inheritance.
Cardiovascular phenotype. Identifiers: MedGen CN230736.

Allele frequency attached by ClinVar (database versions not stated): gnomAD exomes below 0.00001; gnomAD 0.00001; TOPMed 0.00001.
gnomAD v4.1: 7 of 1,613,670 alleles (0.00043%); highest among the groups gnomAD compares: East Asian, 0.0022%; no homozygotes.

Submissions (2):

Ambry Genetics
Classification: Uncertain significance for Cardiovascular phenotype. Last evaluated: 2026-01-05. Review status: criteria provided, single submitter. Criteria: Ambry Variant Classification Scheme 2023. Collection method: clinical testing. Allele origin: germline.
Comment: The p.T437M variant (also known as c.1310C>T), located in coding exon 15 of the TXNRD2 gene, results from a C to T substitution at nucleotide position 1310. The threonine at codon 437 is replaced by methionine, an amino acid with similar properties. This amino acid position is well conserved in available vertebrate species. In addition, the in silico prediction for this alteration is inconclusive. The evidence for this gene-disease relationship is limited; therefore, the clinical significance of this alteration is unclear.

Labcorp Genetics (formerly Invitae), Labcorp
Classification: Uncertain significance for Primary dilated cardiomyopathy. Last evaluated: 2022-07-22. Review status: criteria provided, single submitter. Criteria: Invitae Variant Classification Sherloc (09022015). Collection method: clinical testing. Allele origin: germline.
Comment: In summary, the available evidence is currently insufficient to determine the role of this variant in disease. Therefore, it has been classified as a Variant of Uncertain Significance. Algorithms developed to predict the effect of missense changes on protein structure and function (SIFT, PolyPhen-2, Align-GVGD) all suggest that this variant is likely to be tolerated. This variant has not been reported in the literature in individuals affected with TXNRD2-related conditions. This variant is present in population databases (no rsID available, gnomAD 0.002%). This sequence change replaces threonine, which is neutral and polar, with methionine, which is neutral and non-polar, at codon 437 of the TXNRD2 protein (p.Thr437Met).

NM_006440.5(TXNRD2):c.1310C>T (p.Thr437Met)

Gene: TXNRD2 (thioredoxin reductase 2; minus strand). Cytogenetic location: 22q11.21.
Variant type: single nucleotide variant.
Coding change: c.1310C>T on transcript NM_006440.5 (MANE Select); coding-DNA position 1310, C replaced by T.
Protein change: p.Thr437Met; replaces threonine 437 with methionine.
Molecular consequence: missense variant. On other transcripts: non-coding transcript variant (1).
Genome position (GRCh38, 1-based): chr22:19,878,403, G>A on the plus strand (C>T on the coding strand, the complement: TXNRD2 is on the minus strand). VCF-style: chr22-19878403-G-A. GRCh37 (hg19) VCF-style: chr22-19865926-G-A.
Other names: c.1307C>T, p.Thr436Met (NM_001352300.2); c.1220C>T, p.Thr407Met (NM_001352301.2); c.1022C>T, p.Thr341Met (NM_001352302.2); short protein forms T407M, T436M, T437M, T341M.
Identifiers: ClinVar variation 2165159 (VCV002165159.5), dbSNP rs1410697719, ClinGen allele CA410692227.